The following is an entry in ClinVar:

ClinVar aggregate classification (germline): Pathogenic/Likely pathogenic. Review status: criteria provided, multiple submitters, no conflicts (2 of 4 stars). 4 submissions from 4 submitters: Pathogenic (1); Likely pathogenic (3). Last evaluated 2025-04-23.

Conditions:
Marfan syndrome (MFS). Also called: FBN1-Related Marfan Syndrome; Marfan syndrome, classic; MARFAN SYNDROME, TYPE I; Marfan syndrome type 1; Marfan's syndrome. Identifiers: Orphanet 284963, Orphanet 558, MedGen C0024796, MONDO:0007947, OMIM 154700.
Familial thoracic aortic aneurysm and aortic dissection (TAAD). Also called: Thoracic aortic aneurysms and dissections. Identifiers: Orphanet 91387, MedGen C4707243, MONDO:0019625.

Submissions (4):

GeneDx
Classification: Likely pathogenic. Last evaluated: 2025-04-23. Review status: criteria provided, single submitter. Criteria: GeneDx Variant Classification Process June 2021. Collection method: clinical testing. Allele origin: germline. Affected: yes.
Comment: Not observed at significant frequency in large population cohorts (gnomAD); In silico analysis supports that this missense variant has a deleterious effect on protein structure/function; Affects a cysteine residue within an EGF-like domain of the FBN1 gene, which may affect disulfide bonding and is predicted to alter the structure and function of the protein; cysteine substitutions in the EGF-like domains represent the majority of pathogenic missense changes associated with FBN1-related disorders (PMID: 12938084); This variant is associated with the following publications: (PMID: 12938084, 24793577, 33648514, 31211624)

Ambry Genetics
Classification: Likely pathogenic for Familial thoracic aortic aneurysm and aortic dissection. Last evaluated: 2024-04-17. Review status: criteria provided, single submitter. Criteria: Ambry Variant Classification Scheme 2023. Collection method: clinical testing. Allele origin: germline.
Comment: The p.C1511R variant (also known as c.4531T>C), located in coding exon 36 of the FBN1 gene, results from a T to C substitution at nucleotide position 4531. The cysteine at codon 1511 is replaced by arginine, an amino acid with highly dissimilar properties. This variant has been reported in subjects with features of Marfan syndrome (Lerner-Ellis JP et al. Mol Genet Metab, 2014 Jun;112:171-6; Beil A et al. BMC Med Genomics, 2021 Mar;14:66; Ambry internal data). The majority of FBN1 mutations identified to date have involved the substitution or generation of cysteine residues within cbEGF domains (Vollbrandt T et al. J Biol Chem. 2004;279(31):32924-32931). Internal structural analysis indicates this alteration eliminates a disulfide bond critical for the structural integrity of the cbEGF-22 domain (Ambry internal data). This amino acid position is highly conserved in available vertebrate species. In addition, this alteration is predicted to be deleterious by in silico analysis. This variant is considered to be rare based on population cohorts in the Genome Aggregation Database (gnomAD). Based on the majority of available evidence to date, this variant is likely to be pathogenic.

Laboratory for Molecular Medicine, Mass General Brigham Personalized Medicine
Classification: Likely pathogenic for Marfan syndrome. Last evaluated: 2020-08-07. Review status: criteria provided, single submitter. Criteria: LMM Criteria. Collection method: clinical testing. Allele origin: germline. Observed: 1 variant allele.
Comment: The p.Cys1511Arg variant in FBN1 has been identified in 2 individuals with clinical features of Marfan syndrome/thoracic aortic dissection (Lerner-Ellis 2014 PubMed: 24793577; Wolford 2019 PubMed: 31211624) and was absent in large population studies. This variant is reported in ClinVar (allele ID: 842502). Computational prediction tools and conservation analyses suggest that this variant may impact the protein, though this information is not predictive enough to determine pathogenicity. Furthermore, this variant affects a highly conserved cysteine residue in the EGF-like domains, which is a common finding in individuals with Marfan syndrome (Schrijver 1999). One additional variants involving this codon (p.Cys1511Phe) has been reported in aortopathy (Yang 2016 PubMed: 27611364; Li 2019 PubMed: 31098894). In summary, although additional studies are required to fully establish its clinical significance, this variant meets criteria to be classified as likely pathogenic for autosomal dominant Marfan syndrome. ACMG/AMP Criteria applied: PM2; PM1; PM5; PS4_Supporting; PP3.

Labcorp Genetics (formerly Invitae), Labcorp
Classification: Pathogenic for Marfan syndrome; Familial thoracic aortic aneurysm and aortic dissection. Last evaluated: 2019-09-19. Review status: criteria provided, single submitter. Criteria: Invitae Variant Classification Sherloc (09022015). Collection method: clinical testing. Allele origin: germline.
Comment: This variant affects a cysteine residue in the EGF-like, TGFBP or hybrid motif domains of FBN1. Cysteine residues are believed to be involved in intramolecular disulfide bridges and have been shown to be important for FBN1 protein structure (PMID: 16905551, 19349279). In addition, missense substitutions affecting cysteine residues within these domains are significantly overrepresented among patients with Marfan syndrome (PMID: 16571647, 17701892). For these reasons, this variant has been classified as Pathogenic. Algorithms developed to predict the effect of missense changes on protein structure and function (SIFT, PolyPhen-2, Align-GVGD) all suggest that this variant is likely to be disruptive, but these predictions have not been confirmed by published functional studies and their clinical significance is uncertain. This variant has been observed in individuals with clinical features of Marfan syndrome (PMID: 24793577, Invitae). ClinVar contains an entry for this variant (Variation ID: 42364). This variant is not present in population databases (ExAC no frequency). This sequence change replaces cysteine with arginine at codon 1511 of the FBN1 protein (p.Cys1511Arg). The cysteine residue is highly conserved and there is a large physicochemical difference between cysteine and arginine.

Literature cited by the submitters: PubMed 24793577 (cited by Ambry Genetics and Labcorp Genetics (formerly Invitae), Labcorp); PubMed 33648514 (cited by Ambry Genetics); PubMed 16905551 (cited by Labcorp Genetics (formerly Invitae), Labcorp); PubMed 19349279 (cited by Labcorp Genetics (formerly Invitae), Labcorp); PubMed 16571647 (cited by Labcorp Genetics (formerly Invitae), Labcorp); PubMed 17701892 (cited by Labcorp Genetics (formerly Invitae), Labcorp).

NM_000138.5(FBN1):c.4531T>C (p.Cys1511Arg)

Gene: FBN1 (fibrillin 1; minus strand). Cytogenetic location: 15q21.1.
Variant type: single nucleotide variant.
Coding change: c.4531T>C on transcript NM_000138.5 (MANE Select); coding-DNA position 4531, T replaced by C.
Protein change: p.Cys1511Arg; replaces cysteine 1511 with arginine.
Molecular consequence: missense variant.
Genome position (GRCh38, 1-based): chr15:48,468,463, A>G on the plus strand (T>C on the coding strand, the complement: FBN1 is on the minus strand). VCF-style: chr15-48468463-A-G. GRCh37 (hg19) VCF-style: chr15-48760660-A-G.
Other names: short protein forms C1511R.
Identifiers: ClinVar variation 42364 (VCV000042364.16), dbSNP rs397515811, ClinGen allele CA015175.